The following is an entry in ClinVar:

ClinVar aggregate classification (germline): Likely pathogenic. Review status: reviewed by expert panel (3 of 4 stars). 3 submissions from 3 submitters: Likely pathogenic (1). 2 of the submissions do not count toward it. Last evaluated 2022-09-20.

Conditions:
Very long chain acyl-CoA dehydrogenase deficiency (ACADVLD). Also called: Very Long-Chain Acyl-Coenzyme A Dehydrogenase Deficiency; VLCAD Deficiency. Identifiers: Orphanet 26793, MedGen C3887523, MONDO:0008723, OMIM 201475.

Submissions (3):

ClinGen ACADVL Variant Curation Expert Panel, ClinGen
Classification: Likely pathogenic for Very long chain acyl-CoA dehydrogenase deficiency. Last evaluated: 2022-09-20. Review status: reviewed by expert panel. Criteria: clingen acadvl acmg specifications v1. Collection method: curation. Allele origin: germline. Inheritance: Autosomal recessive inheritance.
Comment: The c.565_587del (p.Ile189fs) variant in ACADVL is a frameshift variant predicted to cause a premature stop codon in biologically-relevant-exon 9/20 leading to nonsense mediated decay in a gene in which loss-of-function is an established disease mechanism (PVS1; PMIDs 9973285, 11590124). This variant is absent from gnomAD v2.1.1 (PM2_supporting). Residual VLCAD enzyme activity was 34% of normal. Therefore this proband is not considered in this clarification (PMID 21932095). The ACADVL Variant Curation Expert Panel VCEP classified the variant as likely pathogenic based on PVS1+PM2_supporting. VCEP specifications version 1; 11/8/21).

GeneDx
Classification: Likely pathogenic. Last evaluated: 2024-09-11. Review status: criteria provided, single submitter. Criteria: GeneDx Variant Classification Process June 2021. Collection method: clinical testing. Allele origin: germline. Affected: yes. Not counted in ClinVar's aggregate classification.
Comment: Frameshift variant predicted to result in protein truncation or nonsense mediated decay in a gene for which loss of function is a known mechanism of disease; Identified in a patient with abnormal newborn screening and 34% residual VLCAD activity; a second ACADVL variant was not identified (PMID: 21932095); Not observed at significant frequency in large population cohorts (gnomAD); This variant is associated with the following publications: (PMID: 21932095)

Labcorp Genetics (formerly Invitae), Labcorp
Classification: Pathogenic for Very long chain acyl-CoA dehydrogenase deficiency. Last evaluated: 2023-10-27. Review status: criteria provided, single submitter. Criteria: Invitae Variant Classification Sherloc (09022015). Collection method: clinical testing. Allele origin: germline. Not counted in ClinVar's aggregate classification.
Comment: This sequence change creates a premature translational stop signal (p.Ile189Profs*56) in the ACADVL gene. It is expected to result in an absent or disrupted protein product. Loss-of-function variants in ACADVL are known to be pathogenic (PMID: 9973285, 11590124). This variant is present in population databases (no rsID available, gnomAD 0.0009%). This premature translational stop signal has been observed in individual(s) with clinical features of very long-chain acyl-CoA dehydrogenase deficiency (PMID: 21932095). This variant is also known as 558-580del. ClinVar contains an entry for this variant (Variation ID: 856881). For these reasons, this variant has been classified as Pathogenic.

Literature cited by the submitters: PubMed 9973285 (cited by Labcorp Genetics (formerly Invitae), Labcorp); PubMed 11590124 (cited by Labcorp Genetics (formerly Invitae), Labcorp); PubMed 21932095 (cited by Labcorp Genetics (formerly Invitae), Labcorp).

NM_000018.4(ACADVL):c.565_587del (p.Ile189fs)

Gene: ACADVL (acyl-CoA dehydrogenase very long chain; plus strand). Cytogenetic location: 17p13.1.
Variant type: Deletion.
Coding change: c.565_587del on transcript NM_000018.4 (MANE Select); coding-DNA positions 565 to 587, 23 bases deleted (ATCCTGCTCTTTGGCACAAAGGC).
Protein change: p.Ile189fs; shifts the reading frame from isoleucine 189.
Molecular consequence: frameshift variant.
Genome position (GRCh38, 1-based): chr17:7,221,625-7,221,647, ATCCTGCTCTTTGGCACAAAGGC deleted; deleting any 23 consecutive bases within chr17:7,221,618-7,221,647 gives the same sequence; the c. name uses the placement nearest the transcript's 3' end. VCF-style (leftmost placement, unchanged base first): chr17-7221617-TCAAAGGCATCCTGCTCTTTGGCA-T. GRCh37 (hg19) VCF-style: chr17-7124936-TCAAAGGCATCCTGCTCTTTGGCA-T.
Other names: NM_000018.4(ACADVL):c.565_587del; p.Ile189fs; c.499_521del, p.Ile167fs (NM_001033859.3); c.634_656del, p.Ile212fs (NM_001270447.2); c.337_359del, p.Ile113fs (NM_001270448.2); c.565_587del (NM_000018.2); short protein forms I113fs, I167fs, I212fs, I189fs.
Identifiers: ClinVar variation 856881 (VCV000856881.10), dbSNP rs1258134795, ClinGen allele CA624860664.